The following is an entry in ClinVar:

NM_020821.3(VPS13C):c.9175C>T (p.Gln3059Ter)

Gene: VPS13C (vacuolar protein sorting 13 homolog C; minus strand). Cytogenetic location: 15q22.2.
Variant type: single nucleotide variant.
Coding change: c.9175C>T on transcript NM_020821.3 (MANE Select); coding-DNA position 9175, C replaced by T.
Protein change: p.Gln3059Ter; replaces glutamine 3059 with a stop codon.
Molecular consequence: nonsense.
Genome position (GRCh38, 1-based): chr15:61,890,331, G>A on the plus strand (C>T on the coding strand, the complement: VPS13C is on the minus strand). VCF-style: chr15-61890331-G-A. GRCh37 (hg19) VCF-style: chr15-62182530-G-A.
Other names: c.9175C>T, p.Gln3059Ter (NM_001018088.3); c.9046C>T, p.Gln3016Ter (NM_017684.5, NM_018080.4); short protein forms Q3059*, Q3016*.
Identifiers: ClinVar variation 2984894 (VCV002984894.3), dbSNP rs1387456031, ClinGen allele CA392675087.
Genomic context (GRCh38, chr15:61,890,331, plus strand): 5'-CTTCTGCCTGCAGTGCTTTGGAAACCAAGGCAACATCATCGGTGAAAAGCAAAACTCTCT[G>A]GCGCCCATCCAGAAATGATACCCAGTGTATCTGGATGTTTGCATCATATGGAAACTGTCC-3'

ClinVar aggregate classification (germline): Pathogenic (1 of 4 stars; one submission).

Allele frequency attached by ClinVar (database versions not stated): TOPMed 0.00001.
gnomAD v4.1: 7 of 1,613,896 alleles (0.00043%); highest among the groups gnomAD compares: Non-Finnish European, 0.00059%; no homozygotes.

Submission:

Labcorp Genetics (formerly Invitae), Labcorp
Classification: Pathogenic. Last evaluated: 2023-05-15. Review status: criteria provided, single submitter. Criteria: Invitae Variant Classification Sherloc (09022015). Collection method: clinical testing. Allele origin: germline.
Comment: For these reasons, this variant has been classified as Pathogenic. This variant has not been reported in the literature in individuals affected with VPS13C-related conditions. This variant is not present in population databases (gnomAD no frequency). This sequence change creates a premature translational stop signal (p.Gln3059*) in the VPS13C gene. It is expected to result in an absent or disrupted protein product. Loss-of-function variants in VPS13C are known to be pathogenic (PMID: 26942284, 34875562).

Literature cited by the submitters: PubMed 26942284; PubMed 34875562.